The following is an entry in ClinVar:

NM_004360.5(CDH1):c.1132_1133del (p.Thr378fs)

Gene: CDH1 (cadherin 1; plus strand). Cytogenetic location: 16q22.1.
Variant type: Deletion.
Coding change: c.1132_1133del on transcript NM_004360.5 (MANE Select); coding-DNA positions 1132 to 1133, 2 bases deleted (AC; older notation c.1132_1133delAC).
Protein change: p.Thr378fs; shifts the reading frame from threonine 378.
Molecular consequence: frameshift variant. On other transcripts: 5 prime UTR variant (2).
Genome position (GRCh38, 1-based): chr16:68,812,258-68,812,259, AC deleted; deleting any 2 consecutive bases within chr16:68,812,257-68,812,259 gives the same sequence; the c. name uses the placement nearest the transcript's 3' end. VCF-style (leftmost placement, unchanged base first): chr16-68812256-CCA-C. GRCh37 (hg19) VCF-style: chr16-68846159-CCA-C.
Other names: c.1132_1133del, p.Thr378fs (NM_001317184.2); c.-484_-483del (NM_001317185.2); c.-688_-687del (NM_001317186.2); short protein forms T378fs.
Identifiers: ClinVar variation 1728638 (VCV001728638.2), dbSNP rs2543924591, ClinGen allele CA2580091874.

ClinVar aggregate classification (germline): Pathogenic (1 of 4 stars; one submission).

Conditions:
Hereditary cancer-predisposing syndrome. Also called: Tumor predisposition; Neoplastic Syndromes, Hereditary; Hereditary Cancer Syndrome; Hereditary neoplastic syndrome. Identifiers: Orphanet 140162, MedGen C0027672, MeSH D009386, MONDO:0015356.

Submission:

Ambry Genetics
Classification: Pathogenic for Hereditary cancer-predisposing syndrome. Last evaluated: 2021-08-06. Review status: criteria provided, single submitter. Criteria: Ambry Variant Classification Scheme 2023. Collection method: clinical testing. Allele origin: germline.
Comment: The c.1132_1133delAC pathogenic mutation, located in coding exon 8 of the CDH1 gene, results from a deletion of two nucleotides at nucleotide positions 1132 to 1133, causing a translational frameshift with a predicted alternate stop codon (p.T378Hfs*8). This alteration has been observed in at least one individual with a personal and/or family history that is consistent with CDH1-related disease (Ambry internal data). This variant is considered to be rare based on population cohorts in the Genome Aggregation Database (gnomAD). This alteration is expected to result in loss of function by premature protein truncation or nonsense-mediated mRNA decay. As such, this alteration is interpreted as a disease-causing mutation.